The following is an entry in ClinVar:

NM_000092.5(COL4A4):c.914_930+29del

Gene: COL4A4 (collagen type IV alpha 4 chain; minus strand). Cytogenetic location: 2q36.3.
Variant type: Deletion.
Coding change: c.914_930+29del on transcript NM_000092.5 (MANE Select); coding-DNA position 914 through 29 bases into the intron after coding-DNA position 930, 46 bases deleted.
Molecular consequence: splice donor variant.
Genome position (GRCh38, 1-based): chr2:227,102,760-227,102,805, 46 bases deleted; deleting any 46 consecutive bases within chr2:227,102,760-227,102,807 gives the same sequence; the c. name uses the placement nearest the transcript's 3' end. GRCh37 (hg19): chr2:227,967,478-227,967,523.
Other names: c.914_930+29delGATTTCCAGGGCCTCGGGTAAGCATCATTTGCTGTTAACATCAGTG (NM_000092.4).
Identifiers: ClinVar variation 447196 (VCV000447196.57), dbSNP rs1553683757, ClinGen allele CA658657245.

ClinVar aggregate classification (germline): Pathogenic/Likely pathogenic. Review status: criteria provided, multiple submitters, no conflicts (2 of 4 stars). 9 submissions from 9 submitters: Pathogenic (7); Likely pathogenic (2). Last evaluated 2026-06-03.

Conditions:
Autosomal recessive Alport syndrome (ATS2). Also called: Alport syndrome type 2; COL4A4 Alport Syndrome and Thin Basement Membrane Nephropathy; ALPORT SYNDROME 2, AUTOSOMAL RECESSIVE; COL4A3-Related Nephropathy. Identifiers: Orphanet 63, Orphanet 88919, MedGen C4746745, MONDO:0008762, OMIM 203780.
Alport syndrome. Also called: Hemorrhagic familial nephritis; Hemorrhagic hereditary nephritis; Congenital hereditary hematuria. Identifiers: Orphanet 63, MedGen C1567741, MONDO:0018965.

Submissions (9):

Centre de Génétique Humaine, Institut de Pathologie Et de Génétique
Classification: Pathogenic for Autosomal recessive Alport syndrome. Last evaluated: 2026-06-03. Review status: criteria provided, single submitter. Criteria: ACMG Guidelines, 2015. Collection method: clinical testing. Allele origin: germline. Inheritance: Autosomal recessive inheritance. Affected: yes. Observed: 1 variant allele, 1 compound heterozygote. Segregation with disease observed.
Comment: This variant deletes 46 bp (17 nucleotides at the end of exon 15 and 29 nucleotides of intron 15 including splice canonical acceptor) (PVS1). This variant is rare: allelic frequency of 0.00031% in gnomAD v4.1.0 database (PM2). Described as homozygous in patients with AR AS (PP5)

Natera, Inc.
Classification: Likely pathogenic for Alport syndrome. Last evaluated: 2026-01-24. Review status: criteria provided, single submitter. Criteria: Natera Variant Classification Schema (03/2026). Collection method: clinical testing. Allele origin: germline.
Comment: The c.914_930+29delGATTTCCAGGGCCTCGGGTAAGCATCATTTGCTGTTAACATCAGTG variant in COL4A4 is a frameshift variant predicted to shift the reading frame and introduce a stop codon. This variant is expected to result in nonsense mediated decay, truncation, or a dysfunctional protein product. This variant is rare in the general population with a frequency below the threshold expected for the associated phenotype(s). Given the available evidence, this variant is classified as Likely Pathogenic.

GeneDx
Classification: Likely pathogenic. Last evaluated: 2025-10-01. Review status: criteria provided, single submitter. Criteria: GeneDx Variant Classification Process June 2021. Collection method: clinical testing. Allele origin: germline. Affected: yes.
Comment: Canonical splice site variant predicted to result in in-frame deletion within a critical region. Variant damages or destroys the canonical splice donor site in intron 15, and is expected to cause abnormal gene splicing; if the splice outcome is exon skip, the loss of the encoded residues in the triple helical region is expected to disrupt normal protein folding and function; Not observed in large population cohorts (gnomAD); This variant is associated with the following publications: (PMID: 9792860)

Labcorp Genetics (formerly Invitae), Labcorp
Classification: Pathogenic. Last evaluated: 2025-07-02. Review status: criteria provided, single submitter. Criteria: Invitae Variant Classification Sherloc (09022015). Collection method: clinical testing. Allele origin: germline.
Comment: This variant results in the deletion of part of exon 15 (c.914_930+29del) of the COL4A4 gene. It is expected to disrupt RNA splicing. Variants that disrupt the donor or acceptor splice site typically lead to a loss of protein function (PMID: 16199547), and loss-of-function variants in COL4A4 are known to be pathogenic (PMID: 21196518, 24854265, 25307543). This variant is not present in population databases (gnomAD no frequency). This variant has been observed in individuals with clinical features of Alport syndrome (PMID: 9792860; internal data). It has also been observed to segregate with disease in related individuals. This variant is also known as 1122del46bp. ClinVar contains an entry for this variant (Variation ID: 447196). For these reasons, this variant has been classified as Pathogenic.

Victorian Clinical Genetics Services, Murdoch Childrens Research Institute
Classification: Pathogenic for Alport syndrome. Last evaluated: 2025-06-13. Review status: criteria provided, single submitter. Criteria: ACMG Guidelines, 2015. Collection method: clinical testing. Allele origin: germline. Affected: yes.
Comment: This variant is classified as Pathogenic. Evidence in support of pathogenic classification: Canonical splice site variant without proven consequence on splicing (no functional evidence available). This 46bp deletion encompasses part of the exon and upstream intron, including the splice region; Variant is present in gnomAD <0.01 (v4: 5 heterozygote(s), 0 homozygote(s)) ; This variant has strong previous evidence of pathogenicity in unrelated individuals. This variant has been classified as pathogenic and likely pathogenic by six clinical laboratories (ClinVar). It has been reported in the literature as homozygous in six individuals from one family with severe Alport syndrome, and in an unrelated individual with steroid-resistant nephrotic syndrome (PMIDs: 9792860, 39584075); Variant is located in the well-established functional Gly-X-Y motif (DECIPHER). Additional information: This variant is homozygous; This gene is associated with both recessive and dominant disease. Alport syndrome typically has biallelic inheritance, although rare cases of monoallelic inheritance have been reported (PMID: 28704582). Thin basement membrane nephropathy (TBMN) and focal segmental glomerulosclerosis (FSGS) are associated with autosomal dominant inheritance (OMIM, PMIDs: 16467446, 17942953); Loss of function is a known mechanism of disease for this gene and is associated with Alport syndrome. Dominant negative is a suspected mechanism of disease for this gene as it is a structural protein (PMIDs: 12028435, 24046192); Inheritance information for this variant is not currently available in this individual.

Revvity Omics, Revvity
Classification: Pathogenic. Last evaluated: 2025-02-14. Review status: criteria provided, single submitter. Criteria: ACMG Guidelines, 2015. Collection method: clinical testing. Allele origin: germline.

Genomic Medicine Center of Excellence, King Faisal Specialist Hospital and Research Centre
Classification: Pathogenic for Autosomal recessive Alport syndrome. Last evaluated: 2024-03-26. Review status: criteria provided, single submitter. Criteria: ACMG Guidelines, 2015. Collection method: clinical testing. Allele origin: germline.

CeGaT Center for Human Genetics Tuebingen
Classification: Pathogenic. Last evaluated: 2021-04-01. Review status: criteria provided, single submitter. Criteria: CeGaT Center For Human Genetics Tuebingen Variant Classification Criteria Version 2. Collection method: clinical testing. Allele origin: germline. Affected: yes. Observed: 2 variant alleles.

Athena Diagnostics
Classification: Pathogenic. Last evaluated: 2016-11-21. Review status: criteria provided, single submitter. Criteria: Athena Diagnostics Criteria. Collection method: clinical testing. Allele origin: germline.

Literature cited by the submitters: PubMed 16199547 (cited by Labcorp Genetics (formerly Invitae), Labcorp); PubMed 21196518 (cited by Labcorp Genetics (formerly Invitae), Labcorp); PubMed 24854265 (cited by Labcorp Genetics (formerly Invitae), Labcorp); PubMed 25307543 (cited by Labcorp Genetics (formerly Invitae), Labcorp); PubMed 9792860 (cited by 3 submitters); PubMed 24046192 (cited by Victorian Clinical Genetics Services, Murdoch Childrens Research Institute); PubMed 16467446 (cited by Victorian Clinical Genetics Services, Murdoch Childrens Research Institute); PubMed 12028435 (cited by Victorian Clinical Genetics Services, Murdoch Childrens Research Institute); PubMed 28704582 (cited by Victorian Clinical Genetics Services, Murdoch Childrens Research Institute); PubMed 17942953 (cited by Victorian Clinical Genetics Services, Murdoch Childrens Research Institute); PubMed 39584075 (cited by Victorian Clinical Genetics Services, Murdoch Childrens Research Institute).